The following is an entry in ClinVar:

NM_001005242.3(PKP2):c.1379-1998C>T

Gene: PKP2 (plakophilin 2; minus strand). Cytogenetic location: 12p11.21.
Variant type: single nucleotide variant.
Coding change: c.1379-1998C>T on transcript NM_001005242.3 (MANE Select); 1998 bases into the intron before coding-DNA position 1379, C replaced by T.
Molecular consequence: intron variant. On other transcripts: nonsense (1).
Genome position (GRCh38, 1-based): chr12:32,843,203, G>A on the plus strand (C>T on the coding strand, the complement: PKP2 is on the minus strand). VCF-style: chr12-32843203-G-A. GRCh37 (hg19) VCF-style: chr12-32996137-G-A.
Other names: c.1489C>T, p.Arg497Ter (NM_004572.4); short protein forms R497*.
Identifiers: ClinVar variation 78974 (VCV000078974.16), dbSNP rs151212477, ClinGen allele CA028673.

ClinVar aggregate classification (germline): Conflicting classifications of pathogenicity. Review status: criteria provided, conflicting classifications (1 of 4 stars). 8 submissions from 8 submitters: Pathogenic (2); Likely pathogenic (3); Uncertain significance (3). Last evaluated 2025-12-16.

Conditions:
PKP2-related disorder. Also called: PKP2-related condition.
Cardiovascular phenotype. Identifiers: MedGen CN230736.
Cardiomyopathy (CMYO). Also called: Cardiomyopathies. Identifiers: Orphanet 167848, MedGen C0878544, MONDO:0004994, HP:0001638. Inheritance: Various modes of inheritance.
Arrhythmogenic right ventricular cardiomyopathy (ARVD). Also called: Arrhythmogenic cardiomyopathy; Arrhythmogenic Right Ventricular Cardiomyopathy (ARVC); Cardiomyopathy, ARVC; Arrhythmogenic right ventricular dysplasia. Identifiers: Orphanet 247, MedGen C0349788, MeSH D019571, MONDO:0016587. Disease mechanism: loss of function. Inheritance: Various modes of inheritance.
Arrhythmogenic right ventricular dysplasia 9 (ARVD9). Also called: ARRHYTHMOGENIC RIGHT VENTRICULAR DYSPLASIA, FAMILIAL, 9; Arrhythmogenic Right Ventricular Dysplasia/Cardiomyopathy 9. Identifiers: MedGen C1836906, MONDO:0012180, OMIM 609040.

Allele frequency attached by ClinVar (database versions not stated): gnomAD exomes below 0.00001 and 0.00001; gnomAD 0.00001; TOPMed 0.00001; ExAC 0.00004.
gnomAD v4.1: 2 of 581,028 alleles (0.00034%); highest among the groups gnomAD compares: Non-Finnish European, 0.00063%; no homozygotes.

Submissions (8):

PreventionGenetics, part of Exact Sciences
Classification: Uncertain significance for PKP2-related condition. Last evaluated: 2025-12-16. Review status: criteria provided, single submitter. Criteria: ACMG Guidelines, 2015. Collection method: clinical testing. Allele origin: germline.
Comment: The PKP2 c.1489C>T variant is predicted to result in premature protein termination (p.Arg497*). This variant has been reported in an individual with arrhythmogenic cardiomyopathy (Vallverdú-Prats et al. 2021. PubMed ID: 33652588). This variant has also been reported in an individual with dilated cardiomyopathy without evidence of arrhythmogenic right ventricular dysplasia (Smith et al. 2022. PubMed ID: 35470680). While loss of function is an established mechanism for PKP2-associated arrhythmogenic right ventricular dysplasia, this variant is located in an alternative exon of a transcript (NM_004572) which is minimally expressed in human heart tissues (Gandjbakhch et al. 2011. PubMed ID: 21378009). This variant is referred to as c.1379-1998C>T (intronic) with the transcript (NM_001005242) which is predominantly expressed in human heart tissues. A canonical splice site variant flanking this alternate exon, NM_004572 c.1379-1G>A (NM_001005242 c.1379-2109G>A), has been documented in ~120 heterozygous individuals in gnomAD v4.1.0, supporting that this alternate exon may not be critical for human heart development. The c.1489C>T (p.Arg497*) variant is reported in 0.0020% of alleles in individuals of European (non-Finnish) descent in gnomAD. Although we suspect that this variant may be pathogenic, at this time, the clinical significance of this variant is uncertain due to the absence of conclusive functional and genetic evidence.

Color Diagnostics, LLC DBA Color Health
Classification: Uncertain significance for Cardiomyopathy. Last evaluated: 2025-08-11. Review status: criteria provided, single submitter. Criteria: ACMG Guidelines, 2015. Collection method: clinical testing. Allele origin: germline.
Comment: This variant changes 1 nucleotide in exon 6 of the PKP2b transcript (NM_004572), creating a premature translation stop signal. Exon 6 is alternatively spliced and is absent in the predominant isoform expressed in the heart (NM_001005242) (PMID: 21378009). Therefore, it is likely that a functional PKP2 gene product is expressed in the heart, despite the presence of this variant. This variant has been reported in an individual affected with arrhythmogenic right ventricular cardiomyopathy (PMID: 33652588) and in another individual with family history of sudden cardiac death (PMID: 35470680). This variant has been identified in 2/217850 chromosomes in the general population by the Genome Aggregation Database (gnomAD). The available evidence is insufficient to determine the role of this variant in disease conclusively. Therefore, this variant is classified as a Variant of Uncertain Significance.

Molecular Diagnostic Laboratory for Inherited Cardiovascular Disease, Montreal Heart Institute
Classification: Uncertain significance for Cardiovascular phenotype. Last evaluated: 2025-04-09. Review status: criteria provided, single submitter. Criteria: ACMG Guidelines, 2015. Collection method: clinical testing. Allele origin: germline. Affected: yes.
Comment: PM2, PS4_supp, PP5

GeneDx
Classification: Likely pathogenic. Last evaluated: 2024-12-27. Review status: criteria provided, single submitter. Criteria: GeneDx Variant Classification Process June 2021. Collection method: clinical testing. Allele origin: germline. Affected: yes.
Comment: Nonsense variant predicted to result in protein truncation or nonsense mediated decay in a gene for which loss of function is a known mechanism of disease; Identified in an individual with arrhythmogenic cardiomyopathy; further patient-specific clinical detail was not provided (PMID: 33652588); Reported in a family with dilated cardiomyopathy; the deceased proband in this family had no evidence of ARVC on autopsy (PMID: 35470680); Not observed at significant frequency in large population cohorts (gnomAD); This variant is associated with the following publications: (PMID: 33652588, 35470680)

Labcorp Genetics (formerly Invitae), Labcorp
Classification: Pathogenic for Arrhythmogenic right ventricular dysplasia 9. Last evaluated: 2024-12-22. Review status: criteria provided, single submitter. Criteria: Invitae Variant Classification Sherloc (09022015). Collection method: clinical testing. Allele origin: germline.
Comment: This sequence change creates a premature translational stop signal (p.Arg497*) in the PKP2 gene. It is expected to result in an absent or disrupted protein product. Loss-of-function variants in PKP2 are known to be pathogenic (PMID: 15489853, 17041889, 23911551). The frequency data for this variant in the population databases is considered unreliable, as metrics indicate poor data quality at this position in the gnomAD database. This variant has not been reported in the literature in individuals affected with PKP2-related conditions. ClinVar contains an entry for this variant (Variation ID: 78974). For these reasons, this variant has been classified as Pathogenic.

All of Us Research Program, National Institutes of Health
Classification: Likely pathogenic for Arrhythmogenic right ventricular cardiomyopathy. Last evaluated: 2023-12-10. Review status: criteria provided, single submitter. Criteria: ACMG Guidelines, 2015. Collection method: clinical testing. Allele origin: germline. Inheritance: Autosomal dominant inheritance. Observed: 1 variant allele, 1 heterozygote.
Comment: The c.1489C>T (p.Arg497*) variant in exon 6 of PKP2 gene, encoding plakophilin 2, creates a premature termination codon that is predicted to lead to absent or truncated protein product. This variant has been reported in an individual whose postmortem biopsy showed dilated cardiomyopathy (DCM), but the association of PKP2 variants with DCM is controversial, leaving it unclear if this variant caused this family?s DCM and sudden cardiac death (PMID: 35470680). This variant has also been reported in an individual with arrhythmogenic cardiomyopathy (PMID: 33652588). Loss of function variants are known to be pathogenic for PKP2 (PMID: 23911551, 15489853, 24704780, 29038103, 34120153). This variant is found to be rare (2/217850; 0.000009181) in the general population database (gnomAD). This variant is reported in the ClinVar database (ClinVar ID: 78974). Therefore, the c.1489C>T (p.Arg497*) variant in the PKP2 gene is classified as likely pathogenic.

This study involves interpretation of variants in research participants for the purpose of population health screening. Participant phenotype was not available at the time of variant classification. Additional details can be found in publication PMID: 35346344, PMCID: PMC8962531

AiLife Diagnostics
Classification: Likely pathogenic. Last evaluated: 2022-02-22. Review status: criteria provided, single submitter. Criteria: ACMG Guidelines, 2015. Collection method: clinical testing. Allele origin: germline. Affected: yes. Observed: 1 variant allele.

Eurofins Ntd Llc (ga)
Classification: Pathogenic. Last evaluated: 2015-07-10. Review status: criteria provided, single submitter. Criteria: EGL Classification Definitions 2015. Collection method: clinical testing. Allele origin: germline. Observed: 3 variant alleles, 3 heterozygotes.

Literature cited by the submitters: PubMed 21378009 (cited by Color Diagnostics, LLC DBA Color Health); PubMed 33652588 (cited by Color Diagnostics, LLC DBA Color Health and All of Us Research Program, National Institutes of Health); PubMed 35470680 (cited by Color Diagnostics, LLC DBA Color Health and All of Us Research Program, National Institutes of Health); PubMed 15489853 (cited by Labcorp Genetics (formerly Invitae), Labcorp and All of Us Research Program, National Institutes of Health); PubMed 17041889 (cited by Labcorp Genetics (formerly Invitae), Labcorp); PubMed 23911551 (cited by Labcorp Genetics (formerly Invitae), Labcorp and All of Us Research Program, National Institutes of Health); PubMed 24704780 (cited by All of Us Research Program, National Institutes of Health); PubMed 29038103 (cited by All of Us Research Program, National Institutes of Health); PubMed 34120153 (cited by All of Us Research Program, National Institutes of Health).